The following is an entry in ClinVar:

NM_052874.5(STX1B):c.1A>G (p.Met1Val)

Gene: STX1B (syntaxin 1B; minus strand). Cytogenetic location: 16p11.2.
Variant type: single nucleotide variant.
Coding change: c.1A>G on transcript NM_052874.5 (MANE Select); coding-DNA position 1, A replaced by G.
Protein change: p.Met1Val; changes the start codon (methionine 1).
Molecular consequence: missense variant, initiator codon variant.
Genome position (GRCh38, 1-based): chr16:31,010,396, T>C on the plus strand (A>G on the coding strand, the complement: STX1B is on the minus strand). VCF-style: chr16-31010396-T-C. GRCh37 (hg19) VCF-style: chr16-31021717-T-C.
Other names: short protein forms M1V.
Identifiers: ClinVar variation 646154 (VCV000646154.11), dbSNP rs1596723978, ClinGen allele CA395654214.
Genomic context (GRCh38, chr16:31,010,396, plus strand): 5'-GCCCCCCCATTCTCCCCACCCCCAAGCTCACACTCCGCAGCTCTTGAGTCCGATCCTTCA[T>C]CCTGCGACGGCTCCTCCTCCTCCTCCTAGTCCTCCTGCCTCTGCTGCTGCTCCGGGTCTC-3'
Protein context (NP_443106.1, residues 1-11): [Met1Val]KDRTQELRSA

ClinVar aggregate classification (germline): Uncertain significance (1 of 4 stars; one submission).

Conditions:
Generalized epilepsy with febrile seizures plus, type 9 (GEFSP9). Also called: GEFS+, TYPE 9. Identifiers: Orphanet 36387, MedGen C4015395, MONDO:0014517, OMIM 616172.

Submission:

Labcorp Genetics (formerly Invitae), Labcorp
Classification: Uncertain significance for Generalized epilepsy with febrile seizures plus, type 9. Last evaluated: 2023-01-11. Review status: criteria provided, single submitter. Criteria: Invitae Variant Classification Sherloc (09022015). Collection method: clinical testing. Allele origin: germline.
Comment: In summary, the available evidence is currently insufficient to determine the role of this variant in disease. Therefore, it has been classified as a Variant of Uncertain Significance. ClinVar contains an entry for this variant (Variation ID: 646154). This variant has not been reported in the literature in individuals affected with STX1B-related conditions. This variant is not present in population databases (gnomAD no frequency). This sequence change affects the initiator methionine of the STX1B mRNA. The next in-frame methionine is located at codon 29.